The following is an entry in ClinVar:

ClinVar aggregate classification (germline): Uncertain significance (1 of 4 stars; one submission).

Submission:

Dasa
Classification: Uncertain significance. Last evaluated: 2026-05-20. Review status: criteria provided, single submitter. Criteria: DASA Assertion Criteria. Collection method: clinical testing. Allele origin: germline.
Comment: NM_001376.5(DYNC1H1):c.9640C>G (p.Gln3214Glu) is a missense variant that results in the substitution of glutamine with glutamic acid. This variant is absent from population databases. Computational prediction algorithms are consistent with a deleterious effect. The currently available literature and clinical evidence are not sufficient to establish a definitive association between this variant and the reported condition. Therefore, this variant is classified as a variant of uncertain significance.

NM_001376.5(DYNC1H1):c.9640C>G (p.Gln3214Glu)

Gene: DYNC1H1 (dynein cytoplasmic 1 heavy chain 1; plus strand). Cytogenetic location: 14q32.31.
Variant type: single nucleotide variant.
Coding change: c.9640C>G on transcript NM_001376.5 (MANE Select); coding-DNA position 9640, C replaced by G.
Protein change: p.Gln3214Glu; replaces glutamine 3214 with glutamic acid.
Molecular consequence: missense variant.
Genome position (GRCh38, 1-based): chr14:102,029,710, C>G. VCF-style: chr14-102029710-C-G. GRCh37 (hg19) VCF-style: chr14-102496047-C-G.
Other names: short protein forms Q3214E.
Identifiers: ClinVar variation 5020531 (VCV005020531.1).